The following is an entry in ClinVar:

ClinVar aggregate classification (germline): Uncertain significance (1 of 4 stars; one submission).

Submission:

Labcorp Genetics (formerly Invitae), Labcorp
Classification: Uncertain significance. Last evaluated: 2021-12-09. Review status: criteria provided, single submitter. Criteria: Invitae Variant Classification Sherloc (09022015). Collection method: clinical testing. Allele origin: germline.
Comment: In summary, the available evidence is currently insufficient to determine the role of this variant in disease. Therefore, it has been classified as a Variant of Uncertain Significance. Experimental studies and prediction algorithms are not available or were not evaluated, and the functional significance of this variant is currently unknown. This variant has not been reported in the literature in individuals affected with ERCC3-related conditions. The frequency data for this variant in the population databases is considered unreliable, as metrics indicate poor data quality at this position in the gnomAD database. This variant, c.789_791del, results in the deletion of 1 amino acid(s) of the ERCC3 protein (p.Glu264del), but otherwise preserves the integrity of the reading frame.

NM_000122.2(ERCC3):c.777AGA[4] (p.Glu264del)

Gene: ERCC3 (ERCC excision repair 3, TFIIH core complex helicase subunit; minus strand). Cytogenetic location: 2q14.3.
Variant type: Microsatellite.
Coding change: c.777AGA[4] on transcript NM_000122.2 (MANE Select); four copies in a row of the 3-base unit AGA starting at c.777; the reference has five copies in a row; one copy, 3 bases deleted.
Protein change: p.Glu264del; deletes glutamic acid 264.
Molecular consequence: inframe deletion.
Genome position (GRCh38, 1-based): chr2:127,289,368-127,289,370, TCT deleted on the plus strand (AGA on the coding strand, the reverse complement: ERCC3 is on the minus strand); deleting any 3 consecutive bases within chr2:127,289,368-127,289,384 gives the same sequence; the position shown is the placement nearest the transcript's 3' end. VCF-style (leftmost placement, unchanged base first): chr2-127289367-CTCT-C. GRCh37 (hg19) VCF-style: chr2-128046943-CTCT-C.
Other names: c.585AGA[4], p.Glu200del (NM_001303416.2, NM_001303418.2); short protein forms E200del, E264del.
Identifiers: ClinVar variation 1510699 (VCV001510699.4), dbSNP rs761456808, ClinGen allele CA1858446.